The following is an entry in ClinVar:

NM_001368894.2(PAX6):c.533C>T (p.Pro178Leu)

Gene: PAX6 (paired box 6; minus strand). Cytogenetic location: 11p13.
Variant type: single nucleotide variant.
Coding change: c.533C>T on transcript NM_001368894.2 (MANE Select); coding-DNA position 533, C replaced by T.
Protein change: p.Pro178Leu; replaces proline 178 with leucine.
Molecular consequence: missense variant. On other transcripts: non-coding transcript variant (2).
Genome position (GRCh38, 1-based): chr11:31,800,723, G>A on the plus strand (C>T on the coding strand, the complement: PAX6 is on the minus strand). VCF-style: chr11-31800723-G-A. GRCh37 (hg19) VCF-style: chr11-31822271-G-A.
Other names: c.491C>T, p.Pro164Leu (NM_000280.6, NM_001127612.3, NM_001258464.2 and 10 more transcripts); c.533C>T, p.Pro178Leu (NM_001258462.3, NM_001258463.2, NM_001310158.2 and 6 more transcripts); c.83C>T, p.Pro28Leu (NM_001310160.2, NM_001310161.3, NM_001368899.2 and 11 more transcripts); c.734C>T, p.Pro245Leu (NM_001368910.2); c.536C>T, p.Pro179Leu (NM_001368911.2); c.608C>T, p.Pro203Leu (NM_001368918.2, NM_001368919.2); c.566C>T, p.Pro189Leu (NM_001368920.2); c.332C>T, p.Pro111Leu (NM_001368921.2, NM_001368922.2, NM_001368923.2 and 4 more transcripts); and 1 more; short protein forms P111L, P245L, P28L, P164L, P189L, P97L, P178L, P179L.
Identifiers: ClinVar variation 1441613 (VCV001441613.8), dbSNP rs954552997, ClinGen allele CA219468016.
Genomic context (GRCh38, chr11:31,800,723, plus strand): 5'-GCTGCGTGGATGGCTGCTTGGGTTTTACCTTGCGTAGGTTGCCCTGGCACCGAAGTCCCC[G>A]GATACCAACCAGGGCGGGTGCCCCAGCTTCCGGTCTGCCCGTTCAACATCCTTAGTTTAT-3'
Protein context (NP_001355823.1, residues 168-188): GSWGTRPGWY[Pro178Leu]GTSVPGQPTQ

ClinVar aggregate classification (germline): Uncertain significance (1 of 4 stars; one submission).

Conditions:
Irido-corneo-trabecular dysgenesis (ASGD5). Also called: ANTERIOR SEGMENT DYSGENESIS 5. Identifiers: Orphanet 708, MedGen C0344559, MONDO:0011414, OMIM 604229, HP:0000659.
Aniridia 1 (AN1). Identifiers: Orphanet 250923, MedGen C0344542, MONDO:0024507, OMIM 106210.

Allele frequency attached by ClinVar (database versions not stated): gnomAD exomes below 0.00001; TOPMed 0.00001.

Submission:

Labcorp Genetics (formerly Invitae), Labcorp
Classification: Uncertain significance for Aniridia 1; Irido-corneo-trabecular dysgenesis. Last evaluated: 2025-10-20. Review status: criteria provided, single submitter. Criteria: Invitae Variant Classification Sherloc (09022015). Collection method: clinical testing. Allele origin: germline.
Comment: This sequence change replaces proline, which is neutral and non-polar, with leucine, which is neutral and non-polar, at codon 164 of the PAX6 protein (p.Pro164Leu). This variant is present in population databases (no rsID available, gnomAD 0.0009%). This variant has not been reported in the literature in individuals affected with PAX6-related conditions. ClinVar contains an entry for this variant (Variation ID: 1441613). Invitae Evidence Modeling of protein sequence and biophysical properties (such as structural, functional, and spatial information, amino acid conservation, physicochemical variation, residue mobility, and thermodynamic stability) indicates that this missense variant is expected to disrupt PAX6 protein function with a positive predictive value of 80%. In summary, the available evidence is currently insufficient to determine the role of this variant in disease. Therefore, it has been classified as a Variant of Uncertain Significance.